The following is an entry in ClinVar:

NM_033056.4(PCDH15):c.5598AAC[1] (p.Thr1869del)

Gene: PCDH15 (protocadherin related 15; minus strand). Cytogenetic location: 10q21.1.
Variant type: Microsatellite.
Coding change: c.5598AAC[1] on transcript NM_033056.4 (MANE Plus Clinical); one copy of the 3-base unit AAC starting at c.5598; the reference has two copies in a row; one copy, 3 bases deleted; also written c.5601_5603del.
Protein change: p.Thr1869del; deletes threonine 1869.
Molecular consequence: inframe deletion. On other transcripts: intron variant (8).
Genome position (GRCh38, 1-based): chr10:53,822,123-53,822,125, GTT deleted on the plus strand (AAC on the coding strand, the reverse complement: PCDH15 is on the minus strand); deleting any 3 consecutive bases within chr10:53,822,123-53,822,129 gives the same sequence; the position shown is the placement nearest the transcript's 3' end. VCF-style (leftmost placement, unchanged base first): chr10-53822122-CGTT-C. GRCh37 (hg19) VCF-style: chr10-55581882-CGTT-C.
Other names: c.5601_5603del (NM_033056.3); c.5601_5603delAAC (NM_033056.4); c.5622_5624del (NM_001142763.2); c.4409+3011_4409+3013del (NM_001142769.3); c.5619AAC[1], p.Thr1876del (NM_001142763.2); c.5604AAC[1], p.Thr1871del (NM_001142764.2); c.5391AAC[1], p.Thr1800del (NM_001142765.2); c.5589AAC[1], p.Thr1866del (NM_001142766.2); and 10 more; short protein forms T1869del, T1829del, T1846del, T1849del, T1800del, T1871del, T1847del, T1866del.
Identifiers: ClinVar variation 46505 (VCV000046505.40), dbSNP rs113363047, ClinGen allele CA138483.

ClinVar aggregate classification (germline): Benign. Review status: criteria provided, multiple submitters, no conflicts (2 of 4 stars). 13 submissions from 12 submitters: Benign (9). 4 of the submissions do not count toward it. Last evaluated 2026-02-04.

Conditions:
Autosomal recessive nonsyndromic hearing loss 23. Identifiers: Orphanet 90636, MedGen C1836027, MONDO:0012293, OMIM 609533.
Usher syndrome type 1D (USH1D). Also called: USHER SYNDROME, TYPE ID. Identifiers: Orphanet 231169, Orphanet 886, MedGen C1832845, MONDO:0010984, OMIM 601067.
Usher syndrome type 1F (USH1F). Also called: USHER SYNDROME, TYPE IF. Identifiers: Orphanet 231169, Orphanet 886, MedGen C1865885, MONDO:0011186, OMIM 602083.
Usher syndrome type 1 (USH1). Also called: RETINITIS PIGMENTOSA AND CONGENITAL DEAFNESS. Identifiers: Orphanet 231169, Orphanet 886, MedGen C1568247, MONDO:0010168, OMIM 276900.
USHER SYNDROME, TYPE ID/F, DIGENIC. Also called: Usher syndrome, type 1D/F digenic. Identifiers: MedGen C3276419.

Submissions (13):

Labcorp Genetics (formerly Invitae), Labcorp
Classification: Benign. Last evaluated: 2026-02-04. Review status: criteria provided, single submitter. Criteria: Invitae Variant Classification Sherloc (09022015). Collection method: clinical testing. Allele origin: germline.

ARUP Laboratories, Molecular Genetics and Genomics, ARUP Laboratories
Classification: Benign. Last evaluated: 2023-11-06. Review status: criteria provided, single submitter. Criteria: ARUP Molecular Germline Variant Investigation Process 2024. Collection method: clinical testing. Allele origin: germline.

Fulgent Genetics
Classification: Benign for Usher syndrome type 1D; Usher syndrome type 1F; Autosomal recessive nonsyndromic hearing loss 23. Last evaluated: 2022-04-04. Review status: criteria provided, single submitter. Criteria: ACMG Guidelines, 2015. Collection method: clinical testing. Allele origin: unknown.

Women's Health and Genetics/Laboratory Corporation of America, LabCorp
Classification: Benign. Last evaluated: 2021-04-18. Review status: criteria provided, single submitter. Criteria: LabCorp Variant Classification Summary - May 2015. Collection method: clinical testing. Allele origin: germline.
Comment: Variant summary: PCDH15 c.5601_5603delAAC (p.Thr1869del) results in an in-frame deletion that is predicted to remove one amino acid from the encoded protein. The variant allele was found at a frequency of 0.0072 in 251400 control chromosomes, predominantly at a frequency of 0.088 within the African or African-American subpopulation in the gnomAD database, including 72 homozygotes. The observed variant frequency within African or African-American control individuals in the gnomAD database is approximately 28 fold of the estimated maximal expected allele frequency for a pathogenic variant in PCDH15 causing Usher Syndrome Type 1F phenotype (0.0032), strongly suggesting that the variant is a benign polymorphism found primarily in populations of African or African-American origin. Although cited in the literature, to our knowledge, no occurrence of c.5601_5603delAAC in individuals affected with Usher Syndrome Type 1F and no experimental evidence demonstrating its impact on protein function have been reported. Six clinical diagnostic laboratories have submitted clinical-significance assessments for this variant to ClinVar after 2014 and all submitters classified the variant as benign. Based on the evidence outlined above, the variant was classified as benign.

Athena Diagnostics
Classification: Benign. Last evaluated: 2018-11-12. Review status: criteria provided, single submitter. Criteria: Athena Diagnostics Criteria. Collection method: clinical testing. Allele origin: germline.

Center for Pediatric Genomic Medicine, Children's Mercy Hospital and Clinics
Classification: Benign. Last evaluated: 2017-02-24. Review status: criteria provided, single submitter. Criteria: ACMG Guidelines, 2015. Collection method: clinical testing. Allele origin: germline.

GeneDx
Classification: Benign. Last evaluated: 2016-06-22. Review status: criteria provided, single submitter. Criteria: GeneDx Variant Classification (06012015). Collection method: clinical testing. Allele origin: germline. Affected: yes.
Comment: This variant is considered likely benign or benign based on one or more of the following criteria: it is a conservative change, it occurs at a poorly conserved position in the protein, it is predicted to be benign by multiple in silico algorithms, and/or has population frequency not consistent with disease.

Eurofins Ntd Llc (ga)
Classification: Benign. Last evaluated: 2013-12-17. Review status: criteria provided, single submitter. Criteria: EGL Classification Definitions 2015. Collection method: clinical testing. Allele origin: germline. Observed: 3 variant alleles, 3 heterozygotes.

Laboratory for Molecular Medicine, Mass General Brigham Personalized Medicine
Classification: Benign. Last evaluated: 2011-09-17. Review status: criteria provided, single submitter. Criteria: LMM Criteria. Collection method: clinical testing. Allele origin: germline. Observed: 29 variant alleles.
Comment: Thr1869del in exon 33 of PCDH15: This variant has been reported in 4 individuals with Usher syndrome and one individual with hearing loss, and was absent in 100 control chromosomes (Ouyang 2005, Zheng 2005, Bonnet 2011). However, three of t he Usher syndrome probands did not have a second PCDH15 variant identified, incl uding two probands who had pathogenic variants in another gene. The fourth Usher syndrome proband carried the variant in the compound heterozygous state with an other PCDH15 variant which we feel does not have evidence for pathogenicity. Thi s variant has also been identified by our laboratory in two probands, both of wh om carry pathogenic or likely pathogenic variants in other genes. Furthermore, G ET-Evidence database reports this variant at a frequency of 6% (8/128 chromosomes). In summary, based upon the observation s to date, we feel this variant is likely benign.

Natera, Inc.
Classification: Benign for Usher syndrome type 1F. Last evaluated: 2020-04-13. Review status: no assertion criteria provided. Collection method: clinical testing. Allele origin: germline. Not counted in ClinVar's aggregate classification.

OMIM
Classification: Pathogenic for USHER SYNDROME, TYPE IF. Last evaluated: 2005-03-01. Review status: no assertion criteria provided. Collection method: literature only. Allele origin: germline. Not counted in ClinVar's aggregate classification.

OMIM
Classification: Pathogenic for USHER SYNDROME, TYPE ID/F, DIGENIC. Last evaluated: 2005-03-01. Review status: no assertion criteria provided. Collection method: literature only. Allele origin: germline. Not counted in ClinVar's aggregate classification.

GeneReviews
No classification provided. Condition: Usher syndrome type 1. Review status: no classification provided. Collection method: literature only. Allele origin: germline. Affected: yes. Not counted in ClinVar's aggregate classification.

Literature cited by the submitters: PubMed 15537665 (cited by 3 submitters); PubMed 15660226 (cited by Laboratory for Molecular Medicine, Mass General Brigham Personalized Medicine and OMIM); PubMed 21569298 (cited by Laboratory for Molecular Medicine, Mass General Brigham Personalized Medicine); PubMed 21738395 (cited by GeneReviews); NCBI Bookshelf NBK1265 (cited by GeneReviews).